The following is an entry in ClinVar:

ClinVar aggregate classification (germline): Pathogenic. Review status: criteria provided, multiple submitters, no conflicts (2 of 4 stars). 2 submissions from 2 submitters: Pathogenic (2). Last evaluated 2023-08-16.

Conditions:
Abnormality of the musculature. Identifiers: MedGen C4021745, HP:0003011.
RYR1-related disorder. Also called: RYR1-related disorders; RYR1-related condition. Identifiers: MedGen CN239331.

Allele frequency attached by ClinVar (database versions not stated): gnomAD exomes below 0.00001.

Submissions (2):

Labcorp Genetics (formerly Invitae), Labcorp
Classification: Pathogenic for RYR1-related disorder. Last evaluated: 2023-08-16. Review status: criteria provided, single submitter. Criteria: Invitae Variant Classification Sherloc (09022015). Collection method: clinical testing. Allele origin: germline.
Comment: For these reasons, this variant has been classified as Pathogenic. ClinVar contains an entry for this variant (Variation ID: 1180626). This premature translational stop signal has been observed in individual(s) with clinical features of autosomal recessive RYR1-related conditions (PMID: 26932181). This variant is not present in population databases (gnomAD no frequency). This sequence change creates a premature translational stop signal (p.Trp3284*) in the RYR1 gene. It is expected to result in an absent or disrupted protein product. Loss-of-function variants in RYR1 are known to be pathogenic (PMID: 23919265, 25960145, 28818389, 30611313).

Kariminejad - Najmabadi Pathology & Genetics Center
Classification: Pathogenic for Abnormality of the musculature. Last evaluated: 2021-07-10. Review status: criteria provided, single submitter. Criteria: ACMG Guidelines, 2015. Collection method: clinical testing. Allele origin: germline.

Literature cited by the submitters: PubMed 26932181 (cited by Labcorp Genetics (formerly Invitae), Labcorp); PubMed 23919265 (cited by Labcorp Genetics (formerly Invitae), Labcorp); PubMed 25960145 (cited by Labcorp Genetics (formerly Invitae), Labcorp); PubMed 28818389 (cited by Labcorp Genetics (formerly Invitae), Labcorp); PubMed 30611313 (cited by Labcorp Genetics (formerly Invitae), Labcorp).

NM_000540.3(RYR1):c.9851G>A (p.Trp3284Ter)

Gene: RYR1 (ryanodine receptor 1; plus strand). Cytogenetic location: 19q13.2.
Variant type: single nucleotide variant.
Coding change: c.9851G>A on transcript NM_000540.3 (MANE Select); coding-DNA position 9851, G replaced by A.
Protein change: p.Trp3284Ter; replaces tryptophan 3284 with a stop codon.
Molecular consequence: nonsense.
Genome position (GRCh38, 1-based): chr19:38,517,524, G>A. VCF-style: chr19-38517524-G-A. GRCh37 (hg19) VCF-style: chr19-39008164-G-A.
Other names: c.9851G>A, p.Trp3284Ter (NM_001042723.2); short protein forms W3284*.
Identifiers: ClinVar variation 1180626 (VCV001180626.4), dbSNP rs2145682223, ClinGen allele CA084920.